The following is an entry in ClinVar:

ClinVar aggregate classification (germline): Uncertain significance (1 of 4 stars; one submission).

Conditions:
Leber congenital amaurosis 12 (LCA12). Identifiers: Orphanet 65, MedGen C1857743, MONDO:0012525, OMIM 610612.

Submission:

Labcorp Genetics (formerly Invitae), Labcorp
Classification: Uncertain significance for Leber congenital amaurosis 12. Last evaluated: 2022-11-01. Review status: criteria provided, single submitter. Criteria: Invitae Variant Classification Sherloc (09022015). Collection method: clinical testing. Allele origin: germline.
Comment: This variant has not been reported in the literature in individuals affected with RD3-related conditions. ClinVar contains an entry for this variant (Variation ID: 842065). This variant is not present in population databases (gnomAD no frequency). This sequence change replaces methionine, which is neutral and non-polar, with lysine, which is basic and polar, at codon 129 of the RD3 protein (p.Met129Lys). In summary, the available evidence is currently insufficient to determine the role of this variant in disease. Therefore, it has been classified as a Variant of Uncertain Significance. Algorithms developed to predict the effect of missense changes on protein structure and function are either unavailable or do not agree on the potential impact of this missense change (SIFT: "Deleterious"; PolyPhen-2: "Benign"; Align-GVGD: "Class C55").

NM_001164688.2(RD3):c.386T>A (p.Met129Lys)

Gene: RD3 (RD3 regulator of GUCY2D; minus strand). Cytogenetic location: 1q32.3.
Variant type: single nucleotide variant.
Coding change: c.386T>A on transcript NM_001164688.2 (MANE Select); coding-DNA position 386, T replaced by A.
Protein change: p.Met129Lys; replaces methionine 129 with lysine.
Molecular consequence: missense variant.
Genome position (GRCh38, 1-based): chr1:211,479,238, A>T on the plus strand (T>A on the coding strand, the complement: RD3 is on the minus strand). VCF-style: chr1-211479238-A-T. GRCh37 (hg19) VCF-style: chr1-211652580-A-T.
Other names: c.386T>A, p.Met129Lys (NM_183059.3); short protein forms M129K.
Identifiers: ClinVar variation 842065 (VCV000842065.11), dbSNP rs1401610655, ClinGen allele CA344878944.